The following is an entry in ClinVar:

ClinVar aggregate classification (germline): Likely pathogenic (1 of 4 stars; one submission).

Submission:

GeneDx
Classification: Likely pathogenic. Last evaluated: 2022-12-20. Review status: criteria provided, single submitter. Criteria: GeneDx Variant Classification Process June 2021. Collection method: clinical testing. Allele origin: germline. Affected: yes.
Comment: Not observed at significant frequency in large population cohorts (gnomAD); Frameshift variant predicted to result in protein truncation or nonsense mediated decay in a gene or region of a gene for which loss of function is not a well-established mechanism of disease; Has not been previously published as pathogenic or benign to our knowledge

NM_033068.3(ACP4):c.227_244delinsA (p.Arg76fs)

Gene: ACP4 (acid phosphatase 4; plus strand). Cytogenetic location: 19q13.33.
Variant type: Indel.
Coding change: c.227_244delinsA on transcript NM_033068.3 (MANE Select); coding-DNA positions 227 to 244, GCCAGCAGCTGGAGCTGG replaced by A.
Protein change: p.Arg76fs; shifts the reading frame from arginine 76.
Molecular consequence: frameshift variant.
Genome position (GRCh38, 1-based): chr19:50,790,784-50,790,801, GCCAGCAGCTGGAGCTGG replaced by A. VCF-style: chr19-50790784-GCCAGCAGCTGGAGCTGG-A. GRCh37 (hg19) VCF-style: chr19-51294041-GCCAGCAGCTGGAGCTGG-A.
Other names: short protein forms R76fs.
Identifiers: ClinVar variation 1723827 (VCV001723827.2), dbSNP rs2513787207, ClinGen allele CA2580097626.